The following is an entry in ClinVar:

NM_031935.3(HMCN1):c.3812A>G (p.Tyr1271Cys)

Gene: HMCN1 (hemicentin 1; plus strand). Cytogenetic location: 1q31.1.
Variant type: single nucleotide variant.
Coding change: c.3812A>G on transcript NM_031935.3 (MANE Select); coding-DNA position 3812, A replaced by G.
Protein change: p.Tyr1271Cys; replaces tyrosine 1271 with cysteine.
Molecular consequence: missense variant.
Genome position (GRCh38, 1-based): chr1:185,997,462, A>G. VCF-style: chr1-185997462-A-G. GRCh37 (hg19) VCF-style: chr1-185966594-A-G.
Other names: short protein forms Y1271C.
Identifiers: ClinVar variation 2142211 (VCV002142211.4), dbSNP rs777529560, ClinGen allele CA33442237.
Genomic context (GRCh38, chr1:185,997,462, plus strand): 5'-GTGATAATGCATTTATTTTCCTAATAGAACCACCCACAGTGGAAGATCTAGAACCTCCAT[A>G]TAACACTACTTTCCAAGAAAGAGTGGCCAATCAACGCATTGAATTTCCATGTCCTGCAAA-3'
Protein context (NP_114141.2, residues 1261-1281): PPTVEDLEPP[Tyr1271Cys]NTTFQERVAN

ClinVar aggregate classification (germline): Uncertain significance (1 of 4 stars; one submission).

Allele frequency attached by ClinVar (database versions not stated): gnomAD exomes 0.00001.
gnomAD v4.1: 14 of 1,612,696 alleles (0.00087%); highest among the groups gnomAD compares: Admixed American, 0.0017%; no homozygotes.

Submission:

Labcorp Genetics (formerly Invitae), Labcorp
Classification: Uncertain significance. Last evaluated: 2022-02-08. Review status: criteria provided, single submitter. Criteria: Invitae Variant Classification Sherloc (09022015). Collection method: clinical testing. Allele origin: germline.
Comment: This sequence change replaces tyrosine, which is neutral and polar, with cysteine, which is neutral and slightly polar, at codon 1271 of the HMCN1 protein (p.Tyr1271Cys). This variant is present in population databases (rs777529560, gnomAD 0.0009%). This variant has not been reported in the literature in individuals affected with HMCN1-related conditions. Algorithms developed to predict the effect of missense changes on protein structure and function are either unavailable or do not agree on the potential impact of this missense change (SIFT: "Deleterious"; PolyPhen-2: "Possibly Damaging"; Align-GVGD: "Class C0"). Algorithms developed to predict the effect of sequence changes on RNA splicing suggest that this variant may create or strengthen a splice site. In summary, the available evidence is currently insufficient to determine the role of this variant in disease. Therefore, it has been classified as a Variant of Uncertain Significance.